The following is an entry in ClinVar:

NM_172351.3(CD46):c.163G>A (p.Glu55Lys)

Gene: CD46 (CD46 molecule; plus strand). Cytogenetic location: 1q32.2.
Variant type: single nucleotide variant.
Coding change: c.163G>A on transcript NM_172351.3 (MANE Select); coding-DNA position 163, G replaced by A.
Protein change: p.Glu55Lys; replaces glutamic acid 55 with lysine.
Molecular consequence: missense variant.
Genome position (GRCh38, 1-based): chr1:207,757,079, G>A. VCF-style: chr1-207757079-G-A. GRCh37 (hg19) VCF-style: chr1-207930424-G-A.
Other names: c.163G>A, p.Glu55Lys (NM_002389.4, NM_153826.4, NM_172350.3 and 8 more transcripts); short protein forms E55K.
Identifiers: ClinVar variation 4291245 (VCV004291245.1).

ClinVar aggregate classification (germline): Uncertain significance (1 of 4 stars; one submission).

Conditions:
Atypical hemolytic-uremic syndrome. Identifiers: Orphanet 2134, MedGen C2931788, MONDO:0016244.

Submission:

Genomenon, Inc
Classification: Uncertain significance for Atypical hemolytic-uremic syndrome. Last evaluated: 2025-10-02. Review status: criteria provided, single submitter. Criteria: Genomenon Sequence Variant Interpretation Standards. Collection method: curation. Allele origin: germline. Affected: no.
Comment: CD46 p.Glu55Lys (c.163G>A) is a missense variant that changes the amino acid at residue 55 from Glutamic acid to Lysine. This variant has been reported in the published literature (PMID:9268348). It is absent or not present at a significant frequency in gnomAD. In silico models agree that this variant is not damaging. In conclusion, we classify CD46 p.Glu55Lys (c.163G>A) as a variant of uncertain significance.

Literature cited by the submitters: PubMed 9268348.